The following is an entry in ClinVar:

NM_001846.4(COL4A2):c.825+1G>A

Gene: COL4A2 (collagen type IV alpha 2 chain; plus strand). Cytogenetic location: 13q34.
Variant type: single nucleotide variant.
Coding change: c.825+1G>A on transcript NM_001846.4 (MANE Select); the canonical splice donor site of the intron after coding-DNA position 825, G replaced by A.
Molecular consequence: splice donor variant.
Genome position (GRCh38, 1-based): chr13:110,436,368, G>A. VCF-style: chr13-110436368-G-A. GRCh37 (hg19) VCF-style: chr13-111088715-G-A.
Identifiers: ClinVar variation 1707994 (VCV001707994.2), dbSNP rs2502070543, ClinGen allele CA388731582.

ClinVar aggregate classification (germline): Uncertain significance (1 of 4 stars; one submission).

Submission:

GeneDx
Classification: Uncertain significance. Last evaluated: 2022-03-29. Review status: criteria provided, single submitter. Criteria: GeneDx Variant Classification Process June 2021. Collection method: clinical testing. Allele origin: germline. Affected: yes.
Comment: Not observed at significant frequency in large population cohorts (gnomAD); Canonical splice site variant in a gene or region of a gene for which loss of function is not a well-established mechanism of disease; Has not been previously published as pathogenic or benign to our knowledge